The following is an entry in ClinVar:

NM_001385641.1(SAMD11):c.1919C>T (p.Ala640Val)

Gene: SAMD11 (sterile alpha motif domain containing 11; plus strand). Cytogenetic location: 1p36.33.
Variant type: single nucleotide variant.
Coding change: c.1919C>T on transcript NM_001385641.1 (MANE Select); coding-DNA position 1919, C replaced by T.
Protein change: p.Ala640Val; replaces alanine 640 with valine.
Molecular consequence: missense variant.
Genome position (GRCh38, 1-based): chr1:942,924, C>T. VCF-style: chr1-942924-C-T. GRCh37 (hg19) VCF-style: chr1-878304-C-T.
Other names: c.1922C>T, p.Ala641Val (NM_001385640.1); c.1430C>T, p.Ala477Val (NM_152486.4); short protein forms A640V, A641V, A477V.
Identifiers: ClinVar variation 1446250 (VCV001446250.8), dbSNP rs1427273887, ClinGen allele CA337812332.

ClinVar aggregate classification (germline): Uncertain significance (1 of 4 stars; one submission).

Allele frequency attached by ClinVar (database versions not stated): gnomAD exomes below 0.00001.

Submission:

Labcorp Genetics (formerly Invitae), Labcorp
Classification: Uncertain significance. Last evaluated: 2024-12-02. Review status: criteria provided, single submitter. Criteria: Invitae Variant Classification Sherloc (09022015). Collection method: clinical testing. Allele origin: germline.
Comment: This sequence change replaces alanine, which is neutral and non-polar, with valine, which is neutral and non-polar, at codon 477 of the SAMD11 protein (p.Ala477Val). The frequency data for this variant in the population databases is considered unreliable, as metrics indicate poor data quality at this position in the gnomAD database. This variant has not been reported in the literature in individuals affected with SAMD11-related conditions. ClinVar contains an entry for this variant (Variation ID: 1446250). An algorithm developed to predict the effect of missense changes on protein structure and function outputs the following: PolyPhen-2: "Benign". The valine amino acid residue is found in multiple mammalian species, which suggests that this missense change does not adversely affect protein function. Algorithms developed to predict the effect of sequence changes on RNA splicing suggest that this variant may disrupt the consensus splice site. In summary, the available evidence is currently insufficient to determine the role of this variant in disease. Therefore, it has been classified as a Variant of Uncertain Significance.